The following is an entry in ClinVar:

NM_000083.3(CLCN1):c.2453C>A (p.Ser818Tyr)

Gene: CLCN1 (chloride voltage-gated channel 1; plus strand). Cytogenetic location: 7q34.
Variant type: single nucleotide variant.
Coding change: c.2453C>A on transcript NM_000083.3 (MANE Select); coding-DNA position 2453, C replaced by A.
Protein change: p.Ser818Tyr; replaces serine 818 with tyrosine.
Molecular consequence: missense variant. On other transcripts: non-coding transcript variant (1).
Genome position (GRCh38, 1-based): chr7:143,350,421, C>A. VCF-style: chr7-143350421-C-A. GRCh37 (hg19) VCF-style: chr7-143047514-C-A.
Other names: short protein forms S818Y.
Identifiers: ClinVar variation 2929157 (VCV002929157.3), dbSNP rs560251067, ClinGen allele CA4537693.

ClinVar aggregate classification (germline): Uncertain significance (1 of 4 stars; one submission).

Conditions:
Congenital myotonia, autosomal dominant form (THD). Also called: THOMSEN DISEASE; Myotonia congenita autosomal dominant. Identifiers: Orphanet 614, MedGen C2936781, MONDO:0008055, OMIM 160800.
Congenital myotonia, autosomal recessive form. Also called: BECKER DISEASE; Becker Generalized Myotonia; myotonia congenita, autosomal recessive. Identifiers: Orphanet 614, MedGen C0751360, MONDO:0009715, OMIM 255700.

Allele frequency attached by ClinVar (database versions not stated): gnomAD exomes below 0.00001; gnomAD 0.00001; ExAC 0.00002; TOPMed 0.00002; 1000 Genomes Project 30x 0.00016; 1000 Genomes Project 0.00020.
gnomAD v4.1: 2 of 1,614,184 alleles (0.00012%); highest among the groups gnomAD compares: African/African-American, 0.0027%; no homozygotes.

Submission:

Labcorp Genetics (formerly Invitae), Labcorp
Classification: Uncertain significance for Congenital myotonia, autosomal recessive form; Congenital myotonia, autosomal dominant form. Last evaluated: 2023-10-30. Review status: criteria provided, single submitter. Criteria: Invitae Variant Classification Sherloc (09022015). Collection method: clinical testing. Allele origin: germline.
Comment: This sequence change replaces serine, which is neutral and polar, with tyrosine, which is neutral and polar, at codon 818 of the CLCN1 protein (p.Ser818Tyr). This variant is present in population databases (rs560251067, gnomAD 0.01%). This variant has not been reported in the literature in individuals affected with CLCN1-related conditions. Advanced modeling of protein sequence and biophysical properties (such as structural, functional, and spatial information, amino acid conservation, physicochemical variation, residue mobility, and thermodynamic stability) performed at Invitae indicates that this missense variant is not expected to disrupt CLCN1 protein function with a negative predictive value of 95%. In summary, the available evidence is currently insufficient to determine the role of this variant in disease. Therefore, it has been classified as a Variant of Uncertain Significance.